The following is an entry in ClinVar:

ClinVar aggregate classification (germline): Uncertain significance (1 of 4 stars; one submission).

Conditions:
Hereditary cancer-predisposing syndrome. Also called: Neoplastic Syndromes, Hereditary; Tumor predisposition; Hereditary Cancer Syndrome; Hereditary neoplastic syndrome. Identifiers: Orphanet 140162, MedGen C0027672, MeSH D009386, MONDO:0015356.

Submission:

Ambry Genetics
Classification: Uncertain significance for Hereditary cancer-predisposing syndrome. Last evaluated: 2026-02-02. Review status: criteria provided, single submitter. Criteria: Ambry Variant Classification Scheme 2023. Collection method: clinical testing. Allele origin: germline.
Comment: The p.K46Q variant (also known as c.136A>C), located in coding exon 2 of the SDHA gene, results from an A to C substitution at nucleotide position 136. The lysine at codon 46 is replaced by glutamine, an amino acid with similar properties. This amino acid position is highly conserved in available vertebrate species. In addition, the in silico prediction for this alteration is inconclusive. Based on the available evidence, the clinical significance of this variant remains unclear.

NM_004168.4(SDHA):c.136A>C (p.Lys46Gln)

Gene: SDHA (succinate dehydrogenase complex flavoprotein subunit A; plus strand). Cytogenetic location: 5p15.33.
Variant type: single nucleotide variant.
Coding change: c.136A>C on transcript NM_004168.4 (MANE Select); coding-DNA position 136, A replaced by C.
Protein change: p.Lys46Gln; replaces lysine 46 with glutamine.
Molecular consequence: missense variant.
Genome position (GRCh38, 1-based): chr5:223,554, A>C. VCF-style: chr5-223554-A-C. GRCh37 (hg19) VCF-style: chr5-223669-A-C.
Other names: c.136A>C, p.Lys46Gln (NM_001294332.2, NM_001330758.2); short protein forms K46Q.
Identifiers: ClinVar variation 4825096 (VCV004825096.1).